The following is an entry in ClinVar:

ClinVar aggregate classification (germline): Uncertain significance. Review status: criteria provided, multiple submitters, no conflicts (2 of 4 stars). 3 submissions from 3 submitters: Uncertain significance (3). Last evaluated 2025-02-07.

Conditions:
Inborn genetic diseases. Identifiers: MedGen C0950123, MeSH D030342.

Allele frequency attached by ClinVar (database versions not stated): gnomAD 0.00001; TOPMed 0.00002; 1000 Genomes Project 0.00020; 1000 Genomes Project 30x 0.00031.
gnomAD v4.1: 5 of 1,614,180 alleles (0.00031%); highest among the groups gnomAD compares: African/African-American, 0.004%; no homozygotes.

Submissions (3):

Ambry Genetics
Classification: Uncertain significance for Inborn genetic diseases. Last evaluated: 2025-02-07. Review status: criteria provided, single submitter. Criteria: Ambry Variant Classification Scheme 2023. Collection method: clinical testing. Allele origin: germline.

Labcorp Genetics (formerly Invitae), Labcorp
Classification: Uncertain significance. Last evaluated: 2024-02-17. Review status: criteria provided, single submitter. Criteria: Invitae Variant Classification Sherloc (09022015). Collection method: clinical testing. Allele origin: germline.
Comment: This sequence change replaces proline, which is neutral and non-polar, with serine, which is neutral and polar, at codon 344 of the CNGB1 protein (p.Pro344Ser). This variant is not present in population databases (gnomAD no frequency). This variant has not been reported in the literature in individuals affected with CNGB1-related conditions. ClinVar contains an entry for this variant (Variation ID: 1475292). Advanced modeling of protein sequence and biophysical properties (such as structural, functional, and spatial information, amino acid conservation, physicochemical variation, residue mobility, and thermodynamic stability) performed at Invitae indicates that this missense variant is not expected to disrupt CNGB1 protein function with a negative predictive value of 95%. In summary, the available evidence is currently insufficient to determine the role of this variant in disease. Therefore, it has been classified as a Variant of Uncertain Significance.

Blueprint Genetics
Classification: Uncertain significance. Last evaluated: 2020-09-18. Review status: criteria provided, single submitter. Criteria: ACMG Guidelines, 2015. Collection method: clinical testing. Allele origin: germline.

NM_001297.5(CNGB1):c.1030C>T (p.Pro344Ser)

Gene: CNGB1 (cyclic nucleotide gated channel subunit beta 1; minus strand). Cytogenetic location: 16q21.
Variant type: single nucleotide variant.
Coding change: c.1030C>T on transcript NM_001297.5 (MANE Select); coding-DNA position 1030, C replaced by T.
Protein change: p.Pro344Ser; replaces proline 344 with serine.
Molecular consequence: missense variant.
Genome position (GRCh38, 1-based): chr16:57,950,385, G>A on the plus strand (C>T on the coding strand, the complement: CNGB1 is on the minus strand). VCF-style: chr16-57950385-G-A. GRCh37 (hg19) VCF-style: chr16-57984289-G-A.
Other names: c.1012C>T, p.Pro338Ser (NM_001286130.2); c.1030C>T (NM_001297.4); short protein forms P344S, P338S.
Identifiers: ClinVar variation 1475292 (VCV001475292.8), dbSNP rs568206778, ClinGen allele CA281621432.